The following is an entry in ClinVar:

NM_001199138.2(NLRC4):c.151G>A (p.Ala51Thr)

Gene: NLRC4 (NLR family CARD domain containing 4; minus strand). Cytogenetic location: 2p22.3.
Variant type: single nucleotide variant.
Coding change: c.151G>A on transcript NM_001199138.2 (MANE Select); coding-DNA position 151, G replaced by A.
Protein change: p.Ala51Thr; replaces alanine 51 with threonine.
Molecular consequence: missense variant.
Genome position (GRCh38, 1-based): chr2:32,252,530, C>T on the plus strand (G>A on the coding strand, the complement: NLRC4 is on the minus strand). VCF-style: chr2-32252530-C-T. GRCh37 (hg19) VCF-style: chr2-32477599-C-T.
Other names: c.151G>A, p.Ala51Thr (NM_001199139.2, NM_001302504.2, NM_021209.5); short protein forms A51T.
Identifiers: ClinVar variation 3756784 (VCV003756784.2).

ClinVar aggregate classification (germline): Uncertain significance (1 of 4 stars; one submission).

Conditions:
Periodic fever-infantile enterocolitis-autoinflammatory syndrome. Also called: Autoinflammation with infantile enterocolitis. Identifiers: Orphanet 436166, MedGen C4015067, MONDO:0014472, OMIM 616050.
Familial cold autoinflammatory syndrome 4 (FCAS4). Identifiers: Orphanet 47045, Orphanet 576349, MedGen C4015276, MONDO:0014498, OMIM 616115.

Submission:

Labcorp Genetics (formerly Invitae), Labcorp
Classification: Uncertain significance for Periodic fever-infantile enterocolitis-autoinflammatory syndrome; Familial cold autoinflammatory syndrome 4. Last evaluated: 2024-08-05. Review status: criteria provided, single submitter. Criteria: Invitae Variant Classification Sherloc (09022015). Collection method: clinical testing. Allele origin: germline.
Comment: This sequence change replaces alanine, which is neutral and non-polar, with threonine, which is neutral and polar, at codon 51 of the NLRC4 protein (p.Ala51Thr). This variant is not present in population databases (gnomAD no frequency). This variant has not been reported in the literature in individuals affected with NLRC4-related conditions. An algorithm developed to predict the effect of missense changes on protein structure and function (PolyPhen-2) suggests that this variant is likely to be tolerated. In summary, the available evidence is currently insufficient to determine the role of this variant in disease. Therefore, it has been classified as a Variant of Uncertain Significance.